The following is an entry in ClinVar:

NM_000203.5(IDUA):c.589G>A (p.Gly197Ser)

Gene: IDUA (alpha-L-iduronidase; plus strand). Cytogenetic location: 4p16.3.
Variant type: single nucleotide variant.
Coding change: c.589G>A on transcript NM_000203.5 (MANE Select); coding-DNA position 589, G replaced by A.
Protein change: p.Gly197Ser; replaces glycine 197 with serine.
Molecular consequence: missense variant. On other transcripts: non-coding transcript variant (1).
Genome position (GRCh38, 1-based): chr4:1,001,563, G>A. VCF-style: chr4-1001563-G-A. GRCh37 (hg19) VCF-style: chr4-995351-G-A.
Other names: NM_000203.5(IDUA):c.589G>A; p.Gly197Ser; c.193G>A, p.Gly65Ser (NM_001363576.1); short protein forms G197S, G65S.
Identifiers: ClinVar variation 1526094 (VCV001526094.3), dbSNP rs2153021926, ClinGen allele CA355961839.

ClinVar aggregate classification (germline): Likely pathogenic. Review status: reviewed by expert panel (3 of 4 stars). 3 submissions from 3 submitters: Likely pathogenic (1). 2 of the submissions do not count toward it. Last evaluated 2026-06-01.

Conditions:
Mucopolysaccharidosis type 1. Also called: IDUA deficiency; MPS I; Mucopolysaccharidosis Type I. Identifiers: Orphanet 579, MedGen C0023786, MONDO:0001586.
Hurler syndrome. Also called: Gargoylism, Hurler Syndrome; MUCOPOLYSACCHARIDOSIS TYPE IH; Severe MPS I (Hurler Syndrome). Identifiers: Orphanet 93473, MedGen C0086795, MONDO:0011758, OMIM 607014.

gnomAD v4.1: 2 of 1,613,050 alleles (0.00012%); highest among the groups gnomAD compares: East Asian, 0.0022%; no homozygotes.

Submissions (3):

ClinGen Lysosomal Storage Disorder Variant Curation Expert Panel
Classification: Likely pathogenic for Mucopolysaccharidosis type 1. Last evaluated: 2026-06-01. Review status: reviewed by expert panel. Criteria: ClinGen LSD ACMG Specifications IDUA V1.2.0. Collection method: curation. Allele origin: germline. Inheritance: Autosomal recessive inheritance.
Comment: The NM_000203.5:c.589G>A variant in IDUA is a missense variant predicted to cause substitution of Glycine by Serine at amino acid 179 (p.Gly197Ser). At least 3 patients with this variant had documented IDUA deficiency within the affected range in leukocytes, and urinary GAGs expressed as specific GAG elevation above normal range, and clinical features specific to MPS I including dysostosis multiplex, hepatosplenomegaly, and arthropathy (PP4_Moderate). Of those individuals, 3 were compound heterozygous for the variant and a variant in IDUA that has been classified as a pathogenic variant for MPS I by the ClinGen LD VCEP; 1 of those were confirmed in trans by parental testing. The second variant included c.1091C>T (p.Thr364Met, ClinVar ID:11925), c.1205G>A (p.Trp402Ter, ClinVar ID:11908), and c.236C>T (p.Ala79Val, ClinVar ID:1458769); Total: 2 points; PMIDs: 33301762, 33301762 (PM3_Strong). The computational predictor REVEL gives a score of 0.908 which is above the threshold of 0.773, evidence that correlates with impact to IDUA function at the moderate level based on the specifications of the ClinGen Lysosomal Diseases VCEP (PMID: 36413997) (PP3_Moderate). The highest population minor allele frequency in gnomAD v4.1.0 is 0.0000008 (1/1179844 alleles) in the Non-Finnish European population, which is lower than the ClinGen Lysosomal Diseases VCEP’s threshold for PM2_Supporting (<0.00025), meeting this criterion (PM2_Supporting). In summary, this variant meets the criteria to be classified as likely pathogenic for MPS I based on the IDUA-specific ACMG/AMP criteria applied, as specified by the ClinGen Lysosomal Diseases Variant Curation Expert Panel (Specifications Version 1.2.0): PM3_strong, PP3_moderate, PP4_moderate, PM2_supporting (Classification approved by the ClinGen Lysosomal Diseases Variant Curation Expert Panel, June 1, 2026)

Women's Health and Genetics/Laboratory Corporation of America, LabCorp
Classification: Pathogenic for Mucopolysaccharidosis type 1. Last evaluated: 2024-10-08. Review status: criteria provided, single submitter. Criteria: LabCorp Variant Classification Summary - May 2015. Collection method: clinical testing. Allele origin: germline. Not counted in ClinVar's aggregate classification.
Comment: Variant summary: IDUA c.589G>A (p.Gly197Ser) results in a non-conservative amino acid change located in the Glycosyl hydrolases family 39, N-terminal catalytic domain (IPR049166) of the encoded protein sequence. Five of five in-silico tools predict a damaging effect of the variant on protein function. Several computational tools predict a significant impact on normal splicing: Three predict the variant abolishes a 5' splicing donor site. One predicts the variant weakens a 5' donor site. However, these predictions have yet to be confirmed by functional studies. The variant was absent in 250508 control chromosomes. c.589G>A has been reported in the literature in the presumed compound heterozygous state in multiple individuals affected with Mucopolysaccharidosis Type 1 (example, Thomas_2021, Voskoboeva_2021, Wang_2012). These data indicate that the variant is likely to be associated with disease. At least one publication reports experimental evidence evaluating an impact on protein function. The most pronounced variant effect results in <10% of normal activity in patient cells (example, Wang_2012). The following publications have been ascertained in the context of this evaluation (PMID: 33301762, 35141277, 21480867). ClinVar contains an entry for this variant (Variation ID: 1526094). Based on the evidence outlined above, the variant was classified as pathogenic.

3billion
Classification: Likely pathogenic for Hurler syndrome. Last evaluated: 2022-03-22. Review status: criteria provided, single submitter. Criteria: ACMG Guidelines, 2015. Collection method: clinical testing. Allele origin: germline. Affected: yes. Observed: 1 heterozygote. Not counted in ClinVar's aggregate classification.
Comment: Different pathogenic/likely pathogenic amino acid change has been reported with supporting evidence at the same codon (PMID:12203999). In silico tool predictions suggest damaging effect of the variant on gene or gene product (REVEL: 0.908>=0.6, SPLICEAI: 0.76). It is not observed in the gnomAD v2.1.1 dataset. The variant is in trans with the other variant (3billion dataset). Therefore, this variant is classified as likely pathogenic according to the recommendation of ACMG/AMP guideline.

Literature cited by the submitters: PubMed 21480867 (cited by Women's Health and Genetics/Laboratory Corporation of America, LabCorp); PubMed 33301762 (cited by Women's Health and Genetics/Laboratory Corporation of America, LabCorp); PubMed 35141277 (cited by Women's Health and Genetics/Laboratory Corporation of America, LabCorp); PubMed 21462124 (cited by 3billion); PubMed 12203999 (cited by 3billion).